The following is an entry in ClinVar:

ClinVar aggregate classification (germline): Uncertain significance (1 of 4 stars; one submission).

gnomAD v4.1: 1 of 1,614,064 alleles (0.000062%); highest among the groups gnomAD compares: Non-Finnish European, 0.000085%; no homozygotes.

Submission:

Labcorp Genetics (formerly Invitae), Labcorp
Classification: Uncertain significance. Last evaluated: 2024-06-12. Review status: criteria provided, single submitter. Criteria: Invitae Variant Classification Sherloc (09022015). Collection method: clinical testing. Allele origin: germline.
Comment: This sequence change replaces proline, which is neutral and non-polar, with serine, which is neutral and polar, at codon 182 of the CA4 protein (p.Pro182Ser). This variant is present in population databases (no rsID available, gnomAD 0.0009%). This variant has not been reported in the literature in individuals affected with CA4-related conditions. Advanced modeling of protein sequence and biophysical properties (such as structural, functional, and spatial information, amino acid conservation, physicochemical variation, residue mobility, and thermodynamic stability) performed at Invitae indicates that this missense variant is not expected to disrupt CA4 protein function with a negative predictive value of 80%. In summary, the available evidence is currently insufficient to determine the role of this variant in disease. Therefore, it has been classified as a Variant of Uncertain Significance.

NM_000717.5(CA4):c.544C>T (p.Pro182Ser)

Gene: CA4 (carbonic anhydrase 4; plus strand). Cytogenetic location: 17q23.1.
Variant type: single nucleotide variant.
Coding change: c.544C>T on transcript NM_000717.5 (MANE Select); coding-DNA position 544, C replaced by T.
Protein change: p.Pro182Ser; replaces proline 182 with serine.
Molecular consequence: missense variant. On other transcripts: non-coding transcript variant (1).
Genome position (GRCh38, 1-based): chr17:60,158,091, C>T. VCF-style: chr17-60158091-C-T. GRCh37 (hg19) VCF-style: chr17-58235452-C-T.
Other names: short protein forms P182S.
Identifiers: ClinVar variation 3656447 (VCV003656447.2).